The following is an entry in ClinVar:

ClinVar aggregate classification (germline): Pathogenic. Review status: criteria provided, multiple submitters, no conflicts (2 of 4 stars). 4 submissions from 4 submitters: Pathogenic (3). 1 of the submissions does not count toward it. Last evaluated 2025-05-20.

Conditions:
Von Hippel-Lindau syndrome (VHLS). Also called: Von Hippel-Lindau; von Hippel–Lindau syndrome; VHL syndrome. Identifiers: Orphanet 892, MedGen C0019562, MONDO:0008667, OMIM 193300. Disease mechanism: loss of function.
Chuvash polycythemia. Also called: POLYCYTHEMIA, VHL-DEPENDENT. Identifiers: Orphanet 238557, MedGen C1837915, MONDO:0009892, OMIM 263400.
Hereditary cancer-predisposing syndrome. Also called: Tumor predisposition; Hereditary neoplastic syndrome; Neoplastic Syndromes, Hereditary; Hereditary Cancer Syndrome. Identifiers: Orphanet 140162, MedGen C0027672, MeSH D009386, MONDO:0015356.

Submissions (4):

Ambry Genetics
Classification: Pathogenic for Hereditary cancer-predisposing syndrome. Last evaluated: 2025-05-20. Review status: criteria provided, single submitter. Criteria: Ambry Variant Classification Scheme 2023. Collection method: clinical testing. Allele origin: germline.
Comment: The c.340G>C pathogenic mutation (also known as p.G114R), located in coding exon 1 of the VHL gene, results from a G to C substitution at nucleotide position 340. The amino acid change results in glycine to arginine at codon 114, an amino acid with dissimilar properties. However, this change occurs in the last base pair of coding exon 1, which makes it likely to have some effect on normal mRNA splicing. This variant was reported in individual(s) with features consistent with von Hippel Lindau syndrome (Ciotti P et al. Eur J Med Genet, 2009 May;52:311-4; Tudorancea A et al. Ann Endocrinol (Paris), 2012 Feb;73:37-42; Wong M et al. Chin J Cancer, 2016 Aug;35:79; Ambry internal data). This variant is considered to be rare based on population cohorts in the Genome Aggregation Database (gnomAD). This nucleotide position is highly conserved in available vertebrate species. This amino acid position is highly conserved in available vertebrate species. In silico splice site analysis predicts that this alteration will weaken the native splice donor site and may result in the creation or strengthening of a novel splice donor site. In addition, as a missense substitution this is predicted to be deleterious by in silico analysis. Based on the supporting evidence, this variant is interpreted as a disease-causing mutation.

Labcorp Genetics (formerly Invitae), Labcorp
Classification: Pathogenic for Von Hippel-Lindau syndrome; Chuvash polycythemia. Last evaluated: 2023-09-26. Review status: criteria provided, single submitter. Criteria: Invitae Variant Classification Sherloc (09022015). Collection method: clinical testing. Allele origin: germline.
Comment: For these reasons, this variant has been classified as Pathogenic. Variants that disrupt the consensus splice site are a relatively common cause of aberrant splicing (PMID: 17576681, 9536098). Algorithms developed to predict the effect of sequence changes on RNA splicing suggest that this variant may disrupt the consensus splice site. An algorithm developed to predict the effect of missense changes on protein structure and function (PolyPhen-2) suggests that this variant is likely to be disruptive. ClinVar contains an entry for this variant (Variation ID: 223193). This missense change has been observed in individual(s) with von Hippel-Lindau syndrome (PMID: 7728151, 12202531, 19464396, 27527340). This variant is not present in population databases (gnomAD no frequency). This sequence change replaces glycine, which is neutral and non-polar, with arginine, which is basic and polar, at codon 114 of the VHL protein (p.Gly114Arg). This variant also falls at the last nucleotide of exon 1, which is part of the consensus splice site for this exon.

Myriad Genetics, Inc.
Classification: Pathogenic for Von Hippel-Lindau syndrome. Last evaluated: 2023-04-06. Review status: criteria provided, single submitter. Criteria: Myriad Autosomal Dominant, Autosomal Recessive and X-Linked Classification Criteria (2023). Collection method: clinical testing. Allele origin: unknown.
Comment: This variant is considered pathogenic. mRNA analysis has demonstrated abnormal mRNA splicing occurs [PMID: 22825683]. This variant has been reported in multiple individuals with clinical features of gene-specific disease [PMID: 22265326, 34036514, 19464396, 12202531, 8956040].

Genomic Diagnostic Laboratory, Division of Genomic Diagnostics, Children's Hospital of Philadelphia
Classification: Pathogenic for Von Hippel-Lindau syndrome. Last evaluated: 2016-02-26. Review status: no assertion criteria provided. Collection method: clinical testing. Allele origin: germline. Affected: yes. Observed: 5 variant alleles. Not counted in ClinVar's aggregate classification.

Literature cited by the submitters: PubMed 19464396 (cited by 3 submitters); PubMed 22265326 (cited by Ambry Genetics and Myriad Genetics, Inc.); PubMed 27527340 (cited by Ambry Genetics and Labcorp Genetics (formerly Invitae), Labcorp); PubMed 17576681 (cited by Labcorp Genetics (formerly Invitae), Labcorp); PubMed 9536098 (cited by Labcorp Genetics (formerly Invitae), Labcorp); PubMed 7728151 (cited by Labcorp Genetics (formerly Invitae), Labcorp); PubMed 12202531 (cited by Labcorp Genetics (formerly Invitae), Labcorp and Myriad Genetics, Inc.); PubMed 22825683 (cited by Myriad Genetics, Inc.); PubMed 34036514 (cited by Myriad Genetics, Inc.); PubMed 8956040 (cited by Myriad Genetics, Inc.).

NM_000551.4(VHL):c.340G>C (p.Gly114Arg)

Gene: VHL (von Hippel-Lindau tumor suppressor; plus strand). Cytogenetic location: 3p25.3.
Variant type: single nucleotide variant.
Coding change: c.340G>C on transcript NM_000551.4 (MANE Select); coding-DNA position 340, G replaced by C.
Protein change: p.Gly114Arg; replaces glycine 114 with arginine.
Molecular consequence: missense variant.
Genome position (GRCh38, 1-based): chr3:10,142,187, G>C. VCF-style: chr3-10142187-G-C. GRCh37 (hg19) VCF-style: chr3-10183871-G-C.
Other names: c.340G>C, p.Val114Leu (NM_001354723.2, NM_198156.3); short protein forms G114R, V114L.
Identifiers: ClinVar variation 223193 (VCV000223193.6), dbSNP rs869025636, ClinGen allele CA357101.